The following is an entry in ClinVar:

ClinVar aggregate classification (germline): Pathogenic/Likely pathogenic. Review status: criteria provided, multiple submitters, no conflicts (2 of 4 stars). 4 submissions from 4 submitters: Pathogenic (1); Likely pathogenic (3). Last evaluated 2024-11-12.

Conditions:
Autosomal recessive limb-girdle muscular dystrophy type 2D (LGMDR3). Also called: DUCHENNE-LIKE AUTOSOMAL RECESSIVE MUSCULAR DYSTROPHY, TYPE 2; ADHALINOPATHY, PRIMARY; MUSCULAR DYSTROPHY, LIMB-GIRDLE, AUTOSOMAL RECESSIVE 3. Identifiers: Orphanet 62, MedGen C2936332, MONDO:0011968, OMIM 608099. Disease mechanism: Affects gamma-sarcoglycan and also disrupts the integrity of the entire sarcoglycan complex..

Allele frequency attached by ClinVar (database versions not stated): gnomAD exomes below 0.00001.
gnomAD v4.1: 1 of 1,614,136 alleles (0.000062%); highest among the groups gnomAD compares: East Asian, 0.0022%; no homozygotes.

Submissions (4):

Natera, Inc.
Classification: Likely pathogenic for Limb-girdle muscular dystrophy type 2D. Last evaluated: 2024-11-12. Review status: criteria provided, single submitter. Criteria: Natera Variant Classification Schema (03/2026). Collection method: clinical testing. Allele origin: germline.
Comment: The c.95T>C variant in SGCA is a missense variant predicted to cause substitution of valine to alanine at amino acid 32. This variant is rare in the general population with a frequency below the threshold expected for the associated phenotype(s). This variant has been observed in one or more individuals affected with the associated recessive disease, as either homozygous or compound heterozygous with a second variant (PMID: 30764848). Computational prediction algorithms indicate this variant is likely to affect gene or protein function. Given the available evidence, this variant is classified as Likely Pathogenic.

Baylor Genetics
Classification: Likely pathogenic for Autosomal recessive limb-girdle muscular dystrophy type 2D. Last evaluated: 2024-01-22. Review status: criteria provided, single submitter. Criteria: ACMG Guidelines, 2015. Collection method: clinical testing. Allele origin: unknown.

Labcorp Genetics (formerly Invitae), Labcorp
Classification: Pathogenic for Autosomal recessive limb-girdle muscular dystrophy type 2D. Last evaluated: 2021-08-30. Review status: criteria provided, single submitter. Criteria: Invitae Variant Classification Sherloc (09022015). Collection method: clinical testing. Allele origin: germline.
Comment: This sequence change replaces valine with alanine at codon 32 of the SGCA protein (p.Val32Ala). The valine residue is highly conserved and there is a small physicochemical difference between valine and alanine. This variant is not present in population databases (ExAC no frequency). This missense change has been observed in individual(s) with limb-girdle muscular dystrophy (PMID: 30764848). In at least one individual the data is consistent with the variant being in trans (on the opposite chromosome) from a pathogenic variant. Advanced modeling of protein sequence and biophysical properties (such as structural, functional, and spatial information, amino acid conservation, physicochemical variation, residue mobility, and thermodynamic stability) performed at Invitae indicates that this missense variant is expected to disrupt SGCA protein function. For these reasons, this variant has been classified as Pathogenic.

Juno Genomics, Hangzhou Juno Genomics, Inc
Classification: Likely pathogenic for Autosomal recessive limb-girdle muscular dystrophy type 2D. Review status: criteria provided, single submitter. Criteria: ACMG Guidelines, 2015. Collection method: clinical testing. Allele origin: germline.
Comment: Absent from controls (or at extremely low frequency if recessive) in Genome Aggregation Database.;For recessive disorders, detected in trans with a pathogenic variant.;Patient's phenotype or family history is highly specific for a disease with a single genetic etiology.

Literature cited by the submitters: PubMed 30764848 (cited by Natera, Inc. and Labcorp Genetics (formerly Invitae), Labcorp).

NM_000023.4(SGCA):c.95T>C (p.Val32Ala)

Gene: SGCA (sarcoglycan alpha; plus strand). Cytogenetic location: 17q21.33.
Variant type: single nucleotide variant.
Coding change: c.95T>C on transcript NM_000023.4 (MANE Select); coding-DNA position 95, T replaced by C.
Protein change: p.Val32Ala; replaces valine 32 with alanine.
Molecular consequence: missense variant. On other transcripts: non-coding transcript variant (1).
Genome position (GRCh38, 1-based): chr17:50,167,425, T>C. VCF-style: chr17-50167425-T-C. GRCh37 (hg19) VCF-style: chr17-48244786-T-C.
Other names: c.95T>C (NM_000023.3); c.95T>C, p.Val32Ala (NM_001135697.3); short protein forms V32A.
Identifiers: ClinVar variation 1459652 (VCV001459652.10), dbSNP rs1017592342, ClinGen allele CA291535997.
Genomic context (GRCh38, chr17:50,167,425, plus strand): 5'-CAGTTCTCCTGGCAGGGCTGGGGGACACCGAGGCCCAGCAGACCACGCTACACCCACTTG[T>C]GGGCCGTGTCTTTGTGCACACCTTGGACCATGAGACGTTTCTGAGCCTTCCTGAGCATGT-3'
Protein context (NP_000014.1, residues 22-42): EAQQTTLHPL[Val32Ala]GRVFVHTLDH